The following is an entry in ClinVar:

ClinVar aggregate classification (germline): Conflicting classifications of pathogenicity. Review status: criteria provided, conflicting classifications (1 of 4 stars). 6 submissions from 6 submitters: Uncertain significance (1); Likely benign (5). Last evaluated 2026-01-28.

Conditions:
NF2-related disorder. Also called: NF2-related condition.
Neurofibromatosis, type 2 (SWNV). Also called: BILATERAL ACOUSTIC NEUROFIBROMATOSIS; SCHWANNOMATOSIS, VESTIBULAR; NF2-Related Schwannomatosis. Identifiers: Orphanet 637, MedGen C0027832, MONDO:0007039, OMIM 101000. Disease mechanism: loss of function.
Hereditary cancer-predisposing syndrome. Also called: Tumor predisposition; Hereditary Cancer Syndrome; Hereditary neoplastic syndrome; Neoplastic Syndromes, Hereditary. Identifiers: Orphanet 140162, MedGen C0027672, MeSH D009386, MONDO:0015356.

Allele frequency attached by ClinVar (database versions not stated): gnomAD exomes 0.00004 and 0.00005; gnomAD 0.00005 and 0.00004; ExAC 0.00006; 1000 Genomes Project 30x 0.00031; 1000 Genomes Project 0.00040; TOPMed 0.00002.
gnomAD v4.1: 69 of 1,613,750 alleles (0.0043%); highest among the groups gnomAD compares: Non-Finnish European, 0.0026%; no homozygotes.

Submissions (6):

Labcorp Genetics (formerly Invitae), Labcorp
Classification: Likely benign for Neurofibromatosis, type 2. Last evaluated: 2026-01-28. Review status: criteria provided, single submitter. Criteria: Invitae Variant Classification Sherloc (09022015). Collection method: clinical testing. Allele origin: germline.

Blueprint Genetics
Classification: Likely benign. Last evaluated: 2024-05-16. Review status: criteria provided, single submitter. Criteria: ACMG Guidelines, 2015. Collection method: clinical testing. Allele origin: germline.

Color Diagnostics, LLC DBA Color Health
Classification: Likely benign for Neurofibromatosis, type 2. Last evaluated: 2022-11-10. Review status: criteria provided, single submitter. Criteria: ACMG Guidelines, 2015. Collection method: clinical testing. Allele origin: germline.

PreventionGenetics, part of Exact Sciences
Classification: Uncertain significance for NF2-related condition. Last evaluated: 2022-10-01. Review status: criteria provided, single submitter. Criteria: ACMG Guidelines, 2015. Collection method: clinical testing. Allele origin: germline.
Comment: The NF2 c.1575-5G>A variant is predicted to interfere with splicing. To our knowledge, this variant has not been reported in the literature. This variant is reported in 0.040% of alleles in individuals of European (Finnish) descent in gnomAD, which is likely too common to be an undocumented disease causing variant. Although we suspect that this variant may be benign, at this time, the clinical significance of this variant is uncertain due to the absence of conclusive functional and genetic evidence.

Sema4
Classification: Likely benign for Hereditary cancer-predisposing syndrome. Last evaluated: 2022-01-06. Review status: criteria provided, single submitter. Criteria: Sema4 Curation Guidelines. Collection method: curation. Allele origin: germline.

Ambry Genetics
Classification: Likely benign for Hereditary cancer-predisposing syndrome. Last evaluated: 2019-06-04. Review status: criteria provided, single submitter. Criteria: Ambry Variant Classification Scheme 2023. Collection method: clinical testing. Allele origin: germline.

NM_000268.4(NF2):c.1575-5G>A

Gene: NF2 (NF2, moesin-ezrin-radixin like (MERLIN) tumor suppressor; plus strand). Cytogenetic location: 22q12.2.
Variant type: single nucleotide variant.
Coding change: c.1575-5G>A on transcript NM_000268.4 (MANE Select); 5 bases into the intron before coding-DNA position 1575, G replaced by A.
Molecular consequence: intron variant.
Genome position (GRCh38, 1-based): chr22:29,681,434, G>A. VCF-style: chr22-29681434-G-A. GRCh37 (hg19) VCF-style: chr22-30077423-G-A.
Other names: c.1575-5G>A (NM_016418.5, NM_181832.3, NM_181825.3 and 1 more transcripts); c.448-13318G>A (NM_181833.3); c.1452-5G>A (NM_181829.3); c.1449-5G>A (NM_181828.3); c.1326-5G>A (NM_181830.3, NM_181831.3).
Identifiers: ClinVar variation 417143 (VCV000417143.19), dbSNP rs199622889, ClinGen allele CA032281.